The following is an entry in ClinVar:

NM_003098.3(SNTA1):c.808A>G (p.Thr270Ala)

Gene: SNTA1 (syntrophin alpha 1; minus strand). Cytogenetic location: 20q11.21.
Variant type: single nucleotide variant.
Coding change: c.808A>G on transcript NM_003098.3 (MANE Select); coding-DNA position 808, A replaced by G.
Protein change: p.Thr270Ala; replaces threonine 270 with alanine.
Molecular consequence: missense variant.
Genome position (GRCh38, 1-based): chr20:33,412,676, T>C on the plus strand (A>G on the coding strand, the complement: SNTA1 is on the minus strand). VCF-style: chr20-33412676-T-C. GRCh37 (hg19) VCF-style: chr20-32000482-T-C.
Other names: c.808A>G, p.Thr270Ala (NM_001424413.1, NM_001424414.1); short protein forms T270A.
Identifiers: ClinVar variation 2977492 (VCV002977492.3), dbSNP rs1989772380, ClinGen allele CA408631576.

ClinVar aggregate classification (germline): Uncertain significance (1 of 4 stars; one submission).

Conditions:
Long QT syndrome (LQTS). Identifiers: MedGen C0023976, MeSH D008133, MONDO:0002442. Disease mechanism: loss of function. Inheritance: Various modes of inheritance.

Allele frequency attached by ClinVar (database versions not stated): gnomAD exomes below 0.00001; TOPMed 0.00001.
gnomAD v4.1: 1 of 1,613,640 alleles (0.000062%); highest among the groups gnomAD compares: African/African-American, 0.0013%; no homozygotes.

Submission:

Labcorp Genetics (formerly Invitae), Labcorp
Classification: Uncertain significance for Long QT syndrome. Last evaluated: 2023-02-03. Review status: criteria provided, single submitter. Criteria: Invitae Variant Classification Sherloc (09022015). Collection method: clinical testing. Allele origin: germline.
Comment: In summary, the available evidence is currently insufficient to determine the role of this variant in disease. Therefore, it has been classified as a Variant of Uncertain Significance. Advanced modeling of protein sequence and biophysical properties (such as structural, functional, and spatial information, amino acid conservation, physicochemical variation, residue mobility, and thermodynamic stability) performed at Invitae indicates that this missense variant is not expected to disrupt SNTA1 protein function. This variant has not been reported in the literature in individuals affected with SNTA1-related conditions. This variant is not present in population databases (gnomAD no frequency). This sequence change replaces threonine, which is neutral and polar, with alanine, which is neutral and non-polar, at codon 270 of the SNTA1 protein (p.Thr270Ala).